The following is an entry in ClinVar:

NM_198586.3(NHLRC1):c.34_35delinsGG (p.Leu12Gly)

Gene: NHLRC1 (NHL repeat containing E3 ubiquitin protein ligase 1; minus strand). Cytogenetic location: 6p22.3.
Variant type: Indel.
Coding change: c.34_35delinsGG on transcript NM_198586.3 (MANE Select); coding-DNA positions 34 to 35, CT replaced by GG.
Protein change: p.Leu12Gly; replaces leucine 12 with glycine.
Molecular consequence: missense variant.
Genome position (GRCh38, 1-based): chr6:18,122,572-18,122,573, AG replaced by CC on the plus strand (CT replaced by GG on the coding strand, the reverse complement: NHLRC1 is on the minus strand). VCF-style: chr6-18122572-AG-CC. GRCh37 (hg19) VCF-style: chr6-18122803-AG-CC.
Other names: short protein forms L12G.
Identifiers: ClinVar variation 1512401 (VCV001512401.6), dbSNP rs2150703412, ClinGen allele CA2573140159.

ClinVar aggregate classification (germline): Uncertain significance (1 of 4 stars; one submission).

Conditions:
Lafora disease. Also called: Epilepsy progressive myoclonic 2; Progressive Myoclonus Epilepsy, Lafora Type. Identifiers: Orphanet 501, MedGen C0751783, MONDO:0009697.

Submission:

Labcorp Genetics (formerly Invitae), Labcorp
Classification: Uncertain significance for Lafora disease. Last evaluated: 2024-07-08. Review status: criteria provided, single submitter. Criteria: Invitae Variant Classification Sherloc (09022015). Collection method: clinical testing. Allele origin: germline.
Comment: This sequence change replaces leucine with glycine at codon 12 of the NHLRC1 protein (p.Leu12Gly). The leucine residue is moderately conserved and there is a moderate physicochemical difference between leucine and glycine. Information on the frequency of this variant in the gnomAD database is not available, as this variant may be reported differently in the database. This variant has not been reported in the literature in individuals affected with NHLRC1-related conditions. ClinVar contains an entry for this variant (Variation ID: 1512401). An algorithm developed to predict the effect of missense changes on protein structure and function (PolyPhen-2) suggests that this variant is likely to be tolerated. In summary, the available evidence is currently insufficient to determine the role of this variant in disease. Therefore, it has been classified as a Variant of Uncertain Significance.